The following is an entry in ClinVar:

NM_005263.5(GFI1):c.476C>T (p.Pro159Leu)

Gene: GFI1 (growth factor independent 1 transcriptional repressor; minus strand). Cytogenetic location: 1p22.1.
Variant type: single nucleotide variant.
Coding change: c.476C>T on transcript NM_005263.5 (MANE Select); coding-DNA position 476, C replaced by T.
Protein change: p.Pro159Leu; replaces proline 159 with leucine.
Molecular consequence: missense variant.
Genome position (GRCh38, 1-based): chr1:92,480,911, G>A on the plus strand (C>T on the coding strand, the complement: GFI1 is on the minus strand). VCF-style: chr1-92480911-G-A. GRCh37 (hg19) VCF-style: chr1-92946468-G-A.
Other names: c.476C>T, p.Pro159Leu (NM_001127215.3, NM_001127216.3); short protein forms P159L.
Identifiers: ClinVar variation 5022363 (VCV005022363.1).

ClinVar aggregate classification (germline): Uncertain significance (1 of 4 stars; one submission).

Submission:

Ambry Genetics
Classification: Uncertain significance. Last evaluated: 2026-06-20. Review status: criteria provided, single submitter. Criteria: Ambry Variant Classification Scheme 2023. Collection method: clinical testing. Allele origin: germline.
Comment: The p.P159L variant (also known as c.476C>T), located in coding exon 3 of the GFI1 gene, results from a C to T substitution at nucleotide position 476. The proline at codon 159 is replaced by leucine, an amino acid with similar properties. This amino acid position is conserved. In addition, this alteration is predicted to be tolerated by in silico analysis. Based on the available evidence, the clinical significance of this variant remains unclear.